The following is an entry in ClinVar:

NM_000091.5(COL4A3):c.2323_2340del (p.772LPG[1])

Genes: COL4A3 (collagen type IV alpha 3 chain; plus strand), MFF-DT (MFF divergent transcript; minus strand). Cytogenetic location: 2q36.3.
Variant type: Deletion.
Coding change: c.2323_2340del on transcript NM_000091.5 (MANE Select); coding-DNA positions 2323 to 2340, 18 bases deleted (CTTCCAGGTCTCCCTGGA).
Protein change: p.772LPG[1].
Molecular consequence: inframe deletion.
Genome position (GRCh38, 1-based): chr2:227,280,539-227,280,556, CTTCCAGGTCTCCCTGGA deleted; deleting any 18 consecutive bases within chr2:227,280,530-227,280,556 gives the same sequence; the c. name uses the placement nearest the transcript's 3' end. VCF-style (leftmost placement, unchanged base first): chr2-227280529-ACTCCCTGGACTTCCAGGT-A. GRCh37 (hg19) VCF-style: chr2-228145245-ACTCCCTGGACTTCCAGGT-A.
Other names: c.2323_2340del18 (NM_000091.4); c.2323_2340delCTTCCAGGTCTCCCTGGA (NM_000091.4).
Identifiers: ClinVar variation 556542 (VCV000556542.12), dbSNP rs1306992119, ClinGen allele CA658822696.

ClinVar aggregate classification (germline): Pathogenic/Likely pathogenic. Review status: criteria provided, multiple submitters, no conflicts (2 of 4 stars). 6 submissions from 6 submitters: Pathogenic (3); Likely pathogenic (1). 2 of the submissions do not count toward it. Last evaluated 2026-04-07.

Conditions:
Hematuria. Identifiers: MedGen C0018965, HP:0000790.
Autosomal dominant Alport syndrome (ATS3A). Also called: ALPORT SYNDROME 3A, AUTOSOMAL DOMINANT; Alport syndrome dominant type; Renal failure and sensorineural hearing loss. Identifiers: Orphanet 63, Orphanet 88918, MedGen C5882663, MONDO:0007086, OMIM 104200.
Hematuria, benign familial, 2 (BFH2). Identifiers: MedGen C5830421, MONDO:0958186, OMIM 620320.
Alport syndrome 3b, autosomal recessive. Identifiers: MedGen C5882699, MONDO:0957811, OMIM 620536.
Alport syndrome. Also called: Hemorrhagic familial nephritis; Hemorrhagic hereditary nephritis; Congenital hereditary hematuria. Identifiers: Orphanet 63, MedGen C1567741, MONDO:0018965.
Autosomal recessive Alport syndrome (ATS2). Also called: Alport syndrome type 2; COL4A4 Alport Syndrome and Thin Basement Membrane Nephropathy; ALPORT SYNDROME 2, AUTOSOMAL RECESSIVE; COL4A3-Related Nephropathy. Identifiers: Orphanet 63, Orphanet 88919, MedGen C4746745, MONDO:0008762, OMIM 203780.

Submissions (6):

Victorian Clinical Genetics Services, Murdoch Childrens Research Institute
Classification: Pathogenic for Alport syndrome. Last evaluated: 2026-04-07. Review status: criteria provided, single submitter. Criteria: ACMG Guidelines, 2015. Collection method: clinical testing. Allele origin: germline. Affected: yes.
Comment: This variant is classified as Pathogenic. Evidence in support of pathogenic classification: In-frame deletion in a non-repetitive region that has high conservation; Variant is present in gnomAD <0.01 (v4: 3 heterozygote(s), 0 homozygote(s)). In addition, alternative nucleotide changes resulting in the same amino acid change are present in gnomAD <0.01 (highest allele count: v4: 13 heterozygote(s), 0 homozygote(s)); This variant has strong previous evidence of pathogenicity in unrelated individuals. This variant, and an alternate nucleotide change c.2313_2330del resulting in the same amino acid change, have been classified as pathogenic and likely pathogenic by clinical laboratories (ClinVar). In addition, they have both been reported in the literature in heterozygous or compound heterozygous individuals with COL4A3-related symptoms (PMID: 24052634, 24854265, 28780565, 33226606); Another in-frame deletion variant comparable to the one identified in this case has limited previous evidence for pathogenicity. A variant that results in the deletion of one set of G-X-Y repeat within this region (p.Leu778_Gly780del) has been classified as likely pathogenic by a clinical laboratory (ClinVar); Variant is located in the well-established functional Gly-X-Y motif in the collagen triple helical domain (DECIPHER). Additional information: This variant is heterozygous; This gene is associated with both recessive and dominant Alport syndrome (MONDO:0018965), COL4A3-related; Loss of function is a known mechanism of disease for this gene and is associated with Alport syndrome (MONDO:0018965), COL4A3-related. Dominant negative is a suspected mechanism of disease for glycine changes that are part of a G-X-Y repeat in the triple helix of a collagen domain (PMIDs: 12028435, 24046192, 38214412); Inheritance information for this variant is not currently available in this individual.

Natera, Inc.
Classification: Likely pathogenic for Alport syndrome. Last evaluated: 2025-01-13. Review status: criteria provided, single submitter. Criteria: Natera Variant Classification Schema (03/2026). Collection method: clinical testing. Allele origin: germline.
Comment: The c.2323_2340delCTTCCAGGTCTCCCTGGA variant in COL4A3 is an in-frame deletion. This variant is rare in the general population with a frequency below the threshold expected for the associated phenotype(s). This variant has been observed in one or more individuals affected with the associated recessive disease, as either homozygous or compound heterozygous with a second variant (PMID: 24854265). This variant has been observed in affected individual(s) with monoallelic occurrence (heterozygous/hemizygous) (PMID: 35090027). This variant has been observed to segregate in affected family members (PMID: 35090027). This variant is located in a functionally critical region of the protein. Given the available evidence, this variant is classified as Likely Pathogenic.

Labcorp Genetics (formerly Invitae), Labcorp
Classification: Pathogenic. Last evaluated: 2024-06-23. Review status: criteria provided, single submitter. Criteria: Invitae Variant Classification Sherloc (09022015). Collection method: clinical testing. Allele origin: germline.
Comment: This variant, c.2323_2340del, results in the deletion of 6 amino acid(s) of the COL4A3 protein (p.Leu775_Gly780del), but otherwise preserves the integrity of the reading frame. This variant is not present in population databases (gnomAD no frequency). This variant has been observed in individual(s) with Alport syndrome (PMID: 24052634, 24854265, 28780565). In at least one individual the data is consistent with being in trans (on the opposite chromosome) from a pathogenic variant. ClinVar contains an entry for this variant (Variation ID: 556542). This variant disrupts a region of the COL4A3 protein in which other variant(s) (p.Gly777Asp) have been determined to be pathogenic (PMID: 26633401, 27904025). This suggests that this is a clinically significant region of the protein, and that variants that disrupt it are likely to be disease-causing. For these reasons, this variant has been classified as Pathogenic.

Fulgent Genetics
Classification: Pathogenic for Autosomal dominant Alport syndrome; Hematuria, benign familial, 2; Alport syndrome 3b, autosomal recessive. Last evaluated: 2024-06-03. Review status: criteria provided, single submitter. Criteria: ACMG Guidelines, 2015. Collection method: clinical testing. Allele origin: germline.

Sydney Genome Diagnostics, Children's Hospital Westmead
Classification: Likely pathogenic for Hematuria. Last evaluated: 2018-08-28. Review status: no assertion criteria provided. Collection method: clinical testing. Allele origin: unknown. Affected: yes. Observed: 1 variant allele, 1 heterozygote. Not counted in ClinVar's aggregate classification.
Comment: This variant results in an inframe deletion of six amino acid residues (Leu-Pro-Gly-Leu-Pro-Gly) in the triple helical domain of the alpha 3 chain of type IV collagen. To our knowledge, this nucleotide variant has not been previously reported. However, a variant involving an inframe deletion of the same six amino acids, c.2313_2330del (p.Leu775_Gly780del), has been previously reported in trans with another pathogenic COL4A3 variant in a patient with autosomal recessive Alport syndrome in the literature (Storey et al 2013 J Am Soc Nephrol 24:1945-1954). This variant is likely to be pathogenic as an inframe deletion of six amino acids is likely to disrupt the folding of the triple helix domain.

Counsyl
Classification: Likely pathogenic for Autosomal recessive Alport syndrome. Last evaluated: 2018-02-06. Review status: no assertion criteria provided. Collection method: clinical testing. Allele origin: unknown. Not counted in ClinVar's aggregate classification.

Literature cited by the submitters: PubMed 28780565 (cited by Victorian Clinical Genetics Services, Murdoch Childrens Research Institute and Labcorp Genetics (formerly Invitae), Labcorp); PubMed 38214412 (cited by Victorian Clinical Genetics Services, Murdoch Childrens Research Institute); PubMed 33226606 (cited by Victorian Clinical Genetics Services, Murdoch Childrens Research Institute); PubMed 24046192 (cited by Victorian Clinical Genetics Services, Murdoch Childrens Research Institute); PubMed 24854265 (cited by 4 submitters); PubMed 24052634 (cited by Victorian Clinical Genetics Services, Murdoch Childrens Research Institute and Labcorp Genetics (formerly Invitae), Labcorp); PubMed 12028435 (cited by Victorian Clinical Genetics Services, Murdoch Childrens Research Institute); PubMed 35090027 (cited by Natera, Inc.); PubMed 26633401 (cited by Labcorp Genetics (formerly Invitae), Labcorp); PubMed 27904025 (cited by Labcorp Genetics (formerly Invitae), Labcorp).